The following is an entry in ClinVar:

NM_004100.5(EYA4):c.860C>T (p.Ala287Val)

Gene: EYA4 (EYA transcriptional coactivator and phosphatase 4; plus strand). Cytogenetic location: 6q23.2.
Variant type: single nucleotide variant.
Coding change: c.860C>T on transcript NM_004100.5 (MANE Select); coding-DNA position 860, C replaced by T.
Protein change: p.Ala287Val; replaces alanine 287 with valine.
Molecular consequence: missense variant.
Genome position (GRCh38, 1-based): chr6:133,468,621, C>T. VCF-style: chr6-133468621-C-T. GRCh37 (hg19) VCF-style: chr6-133789759-C-T.
Other names: c.698C>T, p.Ala233Val (NM_001301012.2, NM_001370459.1); c.860C>T, p.Ala287Val (NM_001301013.2, NM_172105.4); c.791C>T, p.Ala264Val (NM_001370458.1, NM_172103.4); short protein forms A233V, A264V, A287V.
Identifiers: ClinVar variation 847971 (VCV000847971.17), dbSNP rs374522988, ClinGen allele CA4008173.

ClinVar aggregate classification (germline): Uncertain significance. Review status: criteria provided, multiple submitters, no conflicts (2 of 4 stars). 7 submissions from 6 submitters: Uncertain significance (7). Last evaluated 2026-01-14.

Conditions:
Cardiovascular phenotype. Identifiers: MedGen CN230736.
Dilated cardiomyopathy 1J (CMD1J). Also called: CARDIOMYOPATHY, DILATED, WITH SENSORINEURAL HEARING LOSS, AUTOSOMAL DOMINANT. Identifiers: Orphanet 217622, MedGen C1854368, MONDO:0011541, OMIM 605362.
Autosomal dominant nonsyndromic hearing loss 10. Identifiers: Orphanet 90635, MedGen C1832476, MONDO:0011031, OMIM 601316.

Allele frequency attached by ClinVar (database versions not stated): gnomAD exomes below 0.00001 and 0.00001; ExAC 0.00002; gnomAD 0.00003; TOPMed 0.00003; ESP Exome Variant Server 0.00015.
gnomAD v4.1: 7 of 1,612,608 alleles (0.00043%); highest among the groups gnomAD compares: African/African-American, 0.008%; no homozygotes.

Submissions (7):

Labcorp Genetics (formerly Invitae), Labcorp
Classification: Uncertain significance for Dilated cardiomyopathy 1J. Last evaluated: 2026-01-14. Review status: criteria provided, single submitter. Criteria: Invitae Variant Classification Sherloc (09022015). Collection method: clinical testing. Allele origin: germline.
Comment: This sequence change replaces alanine, which is neutral and non-polar, with valine, which is neutral and non-polar, at codon 287 of the EYA4 protein (p.Ala287Val). This variant is present in population databases (rs374522988, gnomAD 0.02%). This variant has not been reported in the literature in individuals affected with EYA4-related conditions. ClinVar contains an entry for this variant (Variation ID: 847971). Invitae Evidence Modeling of protein sequence and biophysical properties (such as structural, functional, and spatial information, amino acid conservation, physicochemical variation, residue mobility, and thermodynamic stability) indicates that this missense variant is not expected to disrupt EYA4 protein function with a negative predictive value of 80%. In summary, the available evidence is currently insufficient to determine the role of this variant in disease. Therefore, it has been classified as a Variant of Uncertain Significance.

Ambry Genetics
Classification: Uncertain significance for Cardiovascular phenotype. Last evaluated: 2025-11-07. Review status: criteria provided, single submitter. Criteria: Ambry Variant Classification Scheme 2023. Collection method: clinical testing. Allele origin: germline.
Comment: The p.A287V variant (also known as c.860C>T), located in coding exon 10 of the EYA4 gene, results from a C to T substitution at nucleotide position 860. The alanine at codon 287 is replaced by valine, an amino acid with similar properties. This amino acid position is conserved. In addition, the in silico prediction for this alteration is inconclusive. Since supporting evidence is limited at this time, the clinical significance of this alteration remains unclear.

Fulgent Genetics
Classification: Uncertain significance for Autosomal dominant nonsyndromic hearing loss 10; Dilated cardiomyopathy 1J. Last evaluated: 2021-10-01. Review status: criteria provided, single submitter. Criteria: ACMG Guidelines, 2015. Collection method: clinical testing. Allele origin: unknown.

Blueprint Genetics
Classification: Uncertain significance. Last evaluated: 2021-04-22. Review status: criteria provided, single submitter. Criteria: ACMG Guidelines, 2015. Collection method: clinical testing. Allele origin: germline.

GeneDx
Classification: Uncertain significance. Last evaluated: 2020-10-27. Review status: criteria provided, single submitter. Criteria: GeneDx Variant Classification Process June 2021. Collection method: clinical testing. Allele origin: germline. Affected: yes.
Comment: In silico analysis supports that this missense variant does not alter protein structure/function; Has not been previously published as pathogenic or benign to our knowledge

Illumina Laboratory Services, Illumina
Classification: Uncertain significance for Autosomal dominant nonsyndromic hearing loss 10. Last evaluated: 2018-01-12. Review status: criteria provided, single submitter. Criteria: ICSL Variant Classification Criteria 13 December 2019. Collection method: clinical testing. Allele origin: germline.

Illumina Laboratory Services, Illumina
Classification: Uncertain significance for Dilated cardiomyopathy 1J. Last evaluated: 2018-01-12. Review status: criteria provided, single submitter. Criteria: ICSL Variant Classification Criteria 13 December 2019. Collection method: clinical testing. Allele origin: germline.